The following is an entry in ClinVar:

ClinVar aggregate classification (germline): Uncertain significance. Review status: criteria provided, multiple submitters, no conflicts (2 of 4 stars). 2 submissions from 2 submitters: Uncertain significance (2). Last evaluated 2025-04-25.

Allele frequency attached by ClinVar (database versions not stated): gnomAD exomes 0.00001; ExAC 0.00002; gnomAD 0.00002; TOPMed 0.00002.
gnomAD v4.1: 12 of 1,614,114 alleles (0.00074%); highest among the groups gnomAD compares: East Asian, 0.022%; no homozygotes.

Submissions (2):

Ambry Genetics
Classification: Uncertain significance. Last evaluated: 2025-04-25. Review status: criteria provided, single submitter. Criteria: Ambry Variant Classification Scheme 2023. Collection method: clinical testing. Allele origin: germline.

Labcorp Genetics (formerly Invitae), Labcorp
Classification: Uncertain significance. Last evaluated: 2024-08-28. Review status: criteria provided, single submitter. Criteria: Invitae Variant Classification Sherloc (09022015). Collection method: clinical testing. Allele origin: germline.
Comment: This sequence change replaces serine, which is neutral and polar, with phenylalanine, which is neutral and non-polar, at codon 694 of the ANKZF1 protein (p.Ser694Phe). This variant is present in population databases (rs773956317, gnomAD 0.02%). This variant has not been reported in the literature in individuals affected with ANKZF1-related conditions. An algorithm developed to predict the effect of missense changes on protein structure and function (PolyPhen-2) suggests that this variant is likely to be disruptive. In summary, the available evidence is currently insufficient to determine the role of this variant in disease. Therefore, it has been classified as a Variant of Uncertain Significance.

NM_018089.3(ANKZF1):c.2081C>T (p.Ser694Phe)

Gene: ANKZF1 (ankyrin repeat and zinc finger peptidyl tRNA hydrolase 1; plus strand). Cytogenetic location: 2q35.
Variant type: single nucleotide variant.
Coding change: c.2081C>T on transcript NM_018089.3 (MANE Select); coding-DNA position 2081, C replaced by T.
Protein change: p.Ser694Phe; replaces serine 694 with phenylalanine.
Molecular consequence: missense variant.
Genome position (GRCh38, 1-based): chr2:219,236,345, C>T. VCF-style: chr2-219236345-C-T. GRCh37 (hg19) VCF-style: chr2-220101067-C-T.
Other names: c.2081C>T, p.Ser694Phe (NM_001042410.2); c.1451C>T, p.Ser484Phe (NM_001282792.2); c.2081C>T (NM_018089.2); short protein forms S694F, S484F.
Identifiers: ClinVar variation 3011700 (VCV003011700.4), dbSNP rs773956317, ClinGen allele CA2121310.
Genomic context (GRCh38, chr2:219,236,345, plus strand): 5'-GGGTACCTGTCCAGCCATTTTTCTTCCTCTTGTTCAGACGCTGCTGGAGTTGTGGGGCAT[C>T]CCTCCAAGGCCTGACTCCCTTTCACTACCTCGACTTCTCTTTCTGCTCCACACGTTGCCT-3'
Protein context (NP_060559.2, residues 684-704): NTRRCWSCGA[Ser694Phe]LQGLTPFHYL